The following is an entry in ClinVar:

NM_004525.3(LRP2):c.3775G>A (p.Gly1259Arg)

Gene: LRP2 (LDL receptor related protein 2; minus strand). Cytogenetic location: 2q31.1.
Variant type: single nucleotide variant.
Coding change: c.3775G>A on transcript NM_004525.3 (MANE Select); coding-DNA position 3775, G replaced by A.
Protein change: p.Gly1259Arg; replaces glycine 1259 with arginine.
Molecular consequence: missense variant.
Genome position (GRCh38, 1-based): chr2:169,241,258, C>T on the plus strand (G>A on the coding strand, the complement: LRP2 is on the minus strand). VCF-style: chr2-169241258-C-T. GRCh37 (hg19) VCF-style: chr2-170097768-C-T.
Other names: short protein forms G1259R.
Identifiers: ClinVar variation 1345115 (VCV001345115.8), dbSNP rs2105383657, ClinGen allele CA349148273.

ClinVar aggregate classification (germline): Uncertain significance (1 of 4 stars; one submission).

Submission:

Labcorp Genetics (formerly Invitae), Labcorp
Classification: Uncertain significance. Last evaluated: 2022-09-27. Review status: criteria provided, single submitter. Criteria: Invitae Variant Classification Sherloc (09022015). Collection method: clinical testing. Allele origin: germline.
Comment: In summary, the available evidence is currently insufficient to determine the role of this variant in disease. Therefore, it has been classified as a Variant of Uncertain Significance. Algorithms developed to predict the effect of sequence changes on RNA splicing suggest that this variant may create or strengthen a splice site. Advanced modeling of protein sequence and biophysical properties (such as structural, functional, and spatial information, amino acid conservation, physicochemical variation, residue mobility, and thermodynamic stability) performed at Invitae indicates that this missense variant is expected to disrupt LRP2 protein function. ClinVar contains an entry for this variant (Variation ID: 1345115). This variant has not been reported in the literature in individuals affected with LRP2-related conditions. This variant is not present in population databases (gnomAD no frequency). This sequence change replaces glycine, which is neutral and non-polar, with arginine, which is basic and polar, at codon 1259 of the LRP2 protein (p.Gly1259Arg).